The following is an entry in ClinVar:

ClinVar aggregate classification (germline): Uncertain significance (1 of 4 stars; one submission).

Conditions:
Bardet-Biedl syndrome (BBS). Identifiers: Orphanet 110, MedGen C0752166, MONDO:0015229.

Submission:

Labcorp Genetics (formerly Invitae), Labcorp
Classification: Uncertain significance for Bardet-Biedl syndrome. Last evaluated: 2022-02-23. Review status: criteria provided, single submitter. Criteria: Invitae Variant Classification Sherloc (09022015). Collection method: clinical testing. Allele origin: germline.
Comment: In summary, the available evidence is currently insufficient to determine the role of this variant in disease. Therefore, it has been classified as a Variant of Uncertain Significance. Algorithms developed to predict the effect of missense changes on protein structure and function output the following: SIFT: "Tolerated"; PolyPhen-2: "Benign"; Align-GVGD: "Class C0". The glycine amino acid residue is found in multiple mammalian species, which suggests that this missense change does not adversely affect protein function. This variant has not been reported in the literature in individuals affected with BBS12-related conditions. This variant is not present in population databases (gnomAD no frequency). This sequence change replaces arginine, which is basic and polar, with glycine, which is neutral and non-polar, at codon 646 of the BBS12 protein (p.Arg646Gly).

NM_152618.3(BBS12):c.1936A>G (p.Arg646Gly)

Gene: BBS12 (Bardet-Biedl syndrome 12; plus strand). Cytogenetic location: 4q27.
Variant type: single nucleotide variant.
Coding change: c.1936A>G on transcript NM_152618.3 (MANE Select); coding-DNA position 1936, A replaced by G.
Protein change: p.Arg646Gly; replaces arginine 646 with glycine.
Molecular consequence: missense variant.
Genome position (GRCh38, 1-based): chr4:122,743,828, A>G. VCF-style: chr4-122743828-A-G. GRCh37 (hg19) VCF-style: chr4-123664983-A-G.
Other names: c.1936A>G, p.Arg646Gly (NM_001178007.2); short protein forms R646G.
Identifiers: ClinVar variation 2095604 (VCV002095604.4), dbSNP rs2485078516, ClinGen allele CA358226199.